The following is an entry in ClinVar:

NM_005751.5(AKAP9):c.5285A>G (p.Lys1762Arg)

Gene: AKAP9 (A-kinase anchoring protein 9; plus strand). Cytogenetic location: 7q21.2.
Variant type: single nucleotide variant.
Coding change: c.5285A>G on transcript NM_005751.5 (MANE Select); coding-DNA position 5285, A replaced by G.
Protein change: p.Lys1762Arg; replaces lysine 1762 with arginine.
Molecular consequence: missense variant.
Genome position (GRCh38, 1-based): chr7:92,045,130, A>G. VCF-style: chr7-92045130-A-G. GRCh37 (hg19) VCF-style: chr7-91674444-A-G.
Other names: c.5285A>G, p.Lys1762Arg (NM_147185.3); short protein forms K1762R.
Identifiers: ClinVar variation 2818351 (VCV002818351.3), dbSNP rs2535143742, ClinGen allele CA368130720.
Genomic context (GRCh38, chr7:92,045,130, plus strand): 5'-CAGCAGCTGTTGAAGAAACAATTGGTCGCCATGTCCTTGGGATTCTAGATAGATCTAGTA[A>G]AAGCCAGTCATCTGCCAGCCTAATTTGGAGGTCAGAAGCAGAGGCATCTGTAAAGTCATG-3'
Protein context (NP_005742.4, residues 1752-1772): HVLGILDRSS[Lys1762Arg]SQSSASLIWR

ClinVar aggregate classification (germline): Uncertain significance (1 of 4 stars; one submission).

Conditions:
Long QT syndrome (LQTS). Identifiers: MedGen C0023976, MeSH D008133, MONDO:0002442. Disease mechanism: loss of function. Inheritance: Various modes of inheritance.

Submission:

Labcorp Genetics (formerly Invitae), Labcorp
Classification: Uncertain significance for Long QT syndrome. Last evaluated: 2024-01-02. Review status: criteria provided, single submitter. Criteria: Invitae Variant Classification Sherloc (09022015). Collection method: clinical testing. Allele origin: germline.
Comment: This sequence change replaces lysine, which is basic and polar, with arginine, which is basic and polar, at codon 1762 of the AKAP9 protein (p.Lys1762Arg). This variant is not present in population databases (gnomAD no frequency). This variant has not been reported in the literature in individuals affected with AKAP9-related conditions. An algorithm developed to predict the effect of missense changes on protein structure and function (PolyPhen-2) suggests that this variant is likely to be disruptive. In summary, the available evidence is currently insufficient to determine the role of this variant in disease. Therefore, it has been classified as a Variant of Uncertain Significance.